The following is an entry in ClinVar:

ClinVar aggregate classification (germline): Uncertain significance. Review status: criteria provided, multiple submitters, no conflicts (2 of 4 stars). 2 submissions from 2 submitters: Uncertain significance (2). Last evaluated 2022-11-01.

Conditions:
Charcot-Marie-Tooth disease type 4. Also called: Charcot-Marie-Tooth disease, type IV; Charcot-Marie-Tooth, Type 4. Identifiers: Orphanet 64749, MedGen C4082197, MONDO:0018995.
Inborn genetic diseases. Identifiers: MedGen C0950123, MeSH D030342.

Allele frequency attached by ClinVar (database versions not stated): TOPMed below 0.00001.

Submissions (2):

Labcorp Genetics (formerly Invitae), Labcorp
Classification: Uncertain significance for Charcot-Marie-Tooth disease type 4. Last evaluated: 2022-11-01. Review status: criteria provided, single submitter. Criteria: Invitae Variant Classification Sherloc (09022015). Collection method: clinical testing. Allele origin: germline.
Comment: In summary, the available evidence is currently insufficient to determine the role of this variant in disease. Therefore, it has been classified as a Variant of Uncertain Significance. Algorithms developed to predict the effect of missense changes on protein structure and function are either unavailable or do not agree on the potential impact of this missense change (SIFT: "Deleterious"; PolyPhen-2: "Probably Damaging"; Align-GVGD: "Class C0"). ClinVar contains an entry for this variant (Variation ID: 1005317). This variant has not been reported in the literature in individuals affected with NDRG1-related conditions. This variant is not present in population databases (gnomAD no frequency). This sequence change replaces tyrosine, which is neutral and polar, with histidine, which is basic and polar, at codon 110 of the NDRG1 protein (p.Tyr110His).

Ambry Genetics
Classification: Uncertain significance for Inborn genetic diseases. Last evaluated: 2021-02-26. Review status: criteria provided, single submitter. Criteria: Ambry Variant Classification Scheme 2023. Collection method: clinical testing. Allele origin: germline.
Comment: The p.Y110H variant (also known as c.328T>C), located in coding exon 5 of the NDRG1 gene, results from a T to C substitution at nucleotide position 328. The tyrosine at codon 110 is replaced by histidine, an amino acid with similar properties. This amino acid position is highly conserved in available vertebrate species. In addition, the in silico prediction for this alteration is inconclusive. Since supporting evidence is limited at this time, the clinical significance of this alteration remains unclear.

NM_006096.4(NDRG1):c.328T>C (p.Tyr110His)

Gene: NDRG1 (N-myc downstream regulated 1; minus strand). Cytogenetic location: 8q24.22.
Variant type: single nucleotide variant.
Coding change: c.328T>C on transcript NM_006096.4 (MANE Select); coding-DNA position 328, T replaced by C.
Protein change: p.Tyr110His; replaces tyrosine 110 with histidine.
Molecular consequence: missense variant.
Genome position (GRCh38, 1-based): chr8:133,259,229, A>G on the plus strand (T>C on the coding strand, the complement: NDRG1 is on the minus strand). VCF-style: chr8-133259229-A-G. GRCh37 (hg19) VCF-style: chr8-134271472-A-G.
Other names: c.328T>C, p.Tyr110His (NM_001135242.2, NM_001374844.1, NM_001374845.1 and 1 more transcripts); c.130T>C, p.Tyr44His (NM_001258432.2, NM_001374847.1); c.85T>C, p.Tyr29His (NM_001258433.2); short protein forms Y110H, Y29H, Y44H.
Identifiers: ClinVar variation 1005317 (VCV001005317.10), dbSNP rs1586440110, ClinGen allele CA372256120.